The following is an entry in ClinVar:

ClinVar aggregate classification (germline): Benign/Likely benign. Review status: criteria provided, multiple submitters, no conflicts (2 of 4 stars). 8 submissions from 8 submitters: Benign (6); Likely benign (2). Last evaluated 2026-09-01.

Conditions:
Renal carnitine transport defect (CDSP). Also called: Primary carnitine deficiency; Carnitine Deficiency, Systemic; Systemic primary carnitine deficiency disease; CARNITINE DEFICIENCY, SYSTEMIC, DUE TO DEFECT IN RENAL REABSORPTION OF CARNITINE; CARNITINE TRANSPORTER, PLASMA-MEMBRANE, DEFICIENCY OF; CARNITINE UPTAKE DEFECT. Identifiers: Orphanet 158, MedGen C0342788, MONDO:0008919, OMIM 212140.

Allele frequency attached by ClinVar (database versions not stated): gnomAD exomes 0.00034 and 0.00093; ExAC 0.00120; 1000 Genomes Project 30x 0.00312; gnomAD 0.00314 and 0.00335; 1000 Genomes Project 0.00339; TOPMed 0.00381; ESP Exome Variant Server 0.00454.
gnomAD v4.1: 1,001 of 1,614,102 alleles (0.062%); highest among the groups gnomAD compares: African/African-American, 1.1%; 5 homozygotes.

Submissions (8):

CeGaT Center for Human Genetics Tuebingen
Classification: Likely benign. Last evaluated: 2026-09-01. Review status: criteria provided, single submitter. Criteria: CeGaT Center For Human Genetics Tuebingen Variant Classification Criteria Version 2. Collection method: clinical testing. Allele origin: germline. Affected: yes. Observed: 2 variant alleles.
Comment: SLC22A5: BP4, BP7, BS1

Labcorp Genetics (formerly Invitae), Labcorp
Classification: Benign for Renal carnitine transport defect. Last evaluated: 2026-02-03. Review status: criteria provided, single submitter. Criteria: Invitae Variant Classification Sherloc (09022015). Collection method: clinical testing. Allele origin: germline.

Blueprint Genetics
Classification: Likely benign. Last evaluated: 2024-11-26. Review status: criteria provided, single submitter. Criteria: ACMG Guidelines, 2015. Collection method: clinical testing. Allele origin: germline.

Mayo Clinic Laboratories, Mayo Clinic
Classification: Benign. Last evaluated: 2023-06-08. Review status: criteria provided, single submitter. Criteria: ACMG Guidelines, 2015. Collection method: clinical testing. Allele origin: germline. Observed: 9 variant alleles.
Comment: BS1, BS2, BP4, BP7

Fulgent Genetics
Classification: Benign for Renal carnitine transport defect. Last evaluated: 2022-05-11. Review status: criteria provided, single submitter. Criteria: ACMG Guidelines, 2015. Collection method: clinical testing. Allele origin: unknown.

Genome-Nilou Lab
Classification: Benign for Renal carnitine transport defect. Last evaluated: 2021-07-15. Review status: criteria provided, single submitter. Criteria: ACMG Guidelines, 2015. Collection method: clinical testing. Allele origin: germline. Affected: no.

GeneDx
Classification: Benign. Last evaluated: 2020-08-19. Review status: criteria provided, single submitter. Criteria: GeneDx Variant Classification Process June 2021. Collection method: clinical testing. Allele origin: germline. Affected: yes.

Women's Health and Genetics/Laboratory Corporation of America, LabCorp
Classification: Benign. Last evaluated: 2019-03-11. Review status: criteria provided, single submitter. Criteria: LabCorp Variant Classification Summary - May 2015. Collection method: clinical testing. Allele origin: germline.
Comment: Variant summary: SLC22A5 c.1368A>G alters a non-conserved nucleotide resulting in a synonymous change. 5/5 computational tools predict no significant impact on normal splicing. However, these predictions have yet to be confirmed by functional studies. The variant allele was found at a frequency of 0.0011 in 277196 control chromosomes, predominantly at a frequency of 0.011 within the African subpopulation in the gnomAD database, including 2 homozygotes. The observed variant frequency within African control individuals in the gnomAD database is approximately 2.41 fold of the estimated maximal expected allele frequency for a pathogenic variant in SLC22A5 causing Systemic Primary Carnitine Deficiency phenotype (0.0046), strongly suggesting that the variant is a benign polymorphism found primarily in populations of African origin. To our knowledge, no occurrence of c.1368A>G in individuals affected with Systemic Primary Carnitine Deficiency and no experimental evidence demonstrating its impact on protein function have been reported. Two ClinVar submissions from clinical diagnostic laboratories (evaluation after 2014) cites the variant once as likely benign and once as benign. Based on the evidence outlined above, the variant was classified as benign.

NM_003060.4(SLC22A5):c.1368A>G (p.Thr456=)

Gene: SLC22A5 (solute carrier family 22 member 5; plus strand). Cytogenetic location: 5q31.1.
Variant type: single nucleotide variant.
Coding change: c.1368A>G on transcript NM_003060.4 (MANE Select); coding-DNA position 1368, A replaced by G.
Protein change: p.Thr456=; no amino-acid change (threonine 456 retained).
Molecular consequence: synonymous variant.
Genome position (GRCh38, 1-based): chr5:132,392,533, A>G. VCF-style: chr5-132392533-A-G. GRCh37 (hg19) VCF-style: chr5-131728225-A-G.
Other names: p.Thr456=; c.1440A>G, p.Thr480= (NM_001308122.2).
Identifiers: ClinVar variation 384573 (VCV000384573.44), dbSNP rs142355575, ClinGen allele CA3404142.